The following is an entry in ClinVar:

ClinVar aggregate classification (germline): Uncertain significance (1 of 4 stars; one submission).

Conditions:
TGIF1-related disorder. Also called: TGIF1-related condition.

gnomAD v4.1: 35 of 1,591,864 alleles (0.0022%); highest among the groups gnomAD compares: Non-Finnish European, 0.0027%; no homozygotes.

Submission:

PreventionGenetics, part of Exact Sciences
Classification: Uncertain significance for TGIF1-related condition. Last evaluated: 2025-09-30. Review status: criteria provided, single submitter. Criteria: ACMG Guidelines, 2015. Collection method: clinical testing. Allele origin: germline.
Comment: The TGIF1 c.230C>G variant is predicted to result in the amino acid substitution p.Ser77Cys. To our knowledge, this variant has not been reported in the literature. This variant is reported in 0.0041% of alleles in individuals of European (Non-Finnish) descent in gnomAD. At this time, the clinical significance of this variant is uncertain due to the absence of conclusive functional and genetic evidence.

NM_003244.4(TGIF1):c.16+1704C>G

Gene: TGIF1 (TGFB induced factor homeobox 1; plus strand). Cytogenetic location: 18p11.31.
Variant type: single nucleotide variant.
Coding change: c.16+1704C>G on transcript NM_003244.4 (MANE Select); 1704 bases into the intron after coding-DNA position 16, C replaced by G.
Molecular consequence: intron variant. On other transcripts: 5 prime UTR variant (1).
Genome position (GRCh38, 1-based): chr18:3,452,209, C>G. VCF-style: chr18-3452209-C-G. GRCh37 (hg19) VCF-style: chr18-3452207-C-G.
Other names: c.-218C>G (NM_170695.5); c.-44-4145C>G (NM_174886.3, NM_001278686.3); c.59-4145C>G (NM_173207.4); c.-45+3670C>G (NM_001374396.1); c.25+2553C>G (NM_001278682.2); c.16+1704C>G (NM_173208.3, NM_001278684.2); c.-45+2139C>G (NM_173209.3); c.-45+434C>G (NM_173210.4); and 1 more.
Identifiers: ClinVar variation 4981587 (VCV004981587.1).
Genomic context (GRCh38, chr18:3,452,209, plus strand): 5'-TGGCCTACCTTCCCCCAGCGCCGTGGTCCTCCCTGGCGACCCCCTCTGCGCTCCTGGGGT[C>G]CTCCTGCGCCCCCCCTCCTCCACCGGCGCGCTGCCCACAGCCGCGTGCCCTCTCCCCGGA-3'